The following is an entry in ClinVar:

NM_022455.5(NSD1):c.2316_2329dup (p.Leu777fs)

Gene: NSD1 (nuclear receptor binding SET domain protein 1; plus strand). Cytogenetic location: 5q35.3.
Variant type: Duplication.
Coding change: c.2316_2329dup on transcript NM_022455.5 (MANE Select); coding-DNA positions 2316 to 2329, 14 bases duplicated (AGCAAATCAAGCTC).
Protein change: p.Leu777fs; shifts the reading frame from leucine 777.
Molecular consequence: frameshift variant.
Genome position (GRCh38, 1-based): chr5:177,210,715-177,210,728, AGCAAATCAAGCTC duplicated; duplicating any 14 consecutive bases within chr5:177,210,714-177,210,728 gives the same sequence; the c. name uses the placement nearest the transcript's 3' end. VCF-style (leftmost placement, unchanged base first): chr5-177210713-G-GCAGCAAATCAAGCT. GRCh37 (hg19) VCF-style: chr5-176637714-G-GCAGCAAATCAAGCT.
Other names: c.1443_1456dup, p.Leu486Glnfs (NM_001365684.2, NM_001409306.1, NM_001409307.1 and 3 more transcripts); c.2316_2329dup, p.Leu777Glnfs (NM_001409301.1, NM_001409302.1, NM_001409303.1); c.1896_1909dup, p.Leu637Glnfs (NM_001409304.1); c.1563_1576dup, p.Leu526Glnfs (NM_001409305.1); short protein forms L508fs, L777fs.
Identifiers: ClinVar variation 407358 (VCV000407358.6), dbSNP rs1554189490, ClinGen allele CA16611806.
Genomic context (GRCh38, chr5:177,210,713, plus strand): 5'-TCTCCAAAATTCAACCTGTCATCAAGCATATCCAGTGAGAACTCGTTAATAAAGGGTGGG[G>GCAGCAAATCAAGCT]CAGCAAATCAAGCTCTATTACATTCGAAAAGCAAACAGCCCAAGTTCCGAAGTATAAAGT-3'

ClinVar aggregate classification (germline): Pathogenic. Review status: criteria provided, single submitter (1 of 4 stars). 2 submissions from 1 submitter: Pathogenic (2). Last evaluated 2016-06-24.

Conditions:
Sotos syndrome (SOTOS). Also called: CEREBRAL GIGANTISM; Sotos' syndrome; Distinctive facial appearance, overgrowth in childhood, and learning disabilities or delayed development; CHROMOSOME 5q35 DELETION SYNDROME; SOTOS SYNDROME 1. Identifiers: Orphanet 821, MedGen C0175695, MONDO:0019349, OMIM 117550.
Beckwith-Wiedemann syndrome (BWS). Also called: Exomphalos macroglossia gigantism syndrome; EMG SYNDROME. Identifiers: Orphanet 116, MedGen C0004903, MONDO:0007534, OMIM 130650.

Submissions (2):

Labcorp Genetics (formerly Invitae), Labcorp
Classification: Pathogenic for Beckwith-Wiedemann syndrome. Last evaluated: 2016-06-24. Review status: criteria provided, single submitter. Criteria: Invitae Variant Classification Sherloc (09022015). Collection method: clinical testing. Allele origin: germline.
Comment: This sequence change inserts 14 nucleotides in exon 5 of the NSD1 mRNA (c.2316_2329dup14), causing a frameshift at codon 777. This creates a premature translational stop signal (p.Leu777Glnfs*19) and is expected to result in an absent or disrupted protein product. While this particular variant has not been reported in the literature, truncating variants in NSD1 are known to be pathogenic (PMID: 12807965, 15942875, 17565729). For these reasons, this variant has been classified as Pathogenic.

Labcorp Genetics (formerly Invitae), Labcorp
Classification: Pathogenic. Last evaluated: 2016-06-24. Review status: criteria provided, single submitter. Criteria: Invitae Variant Classification Sherloc (09022015). Collection method: clinical testing. Allele origin: germline.
Comment: the same text as in the submission from Labcorp Genetics (formerly Invitae), Labcorp above.

Literature cited by the submitters: PubMed 12807965; PubMed 15942875; PubMed 17565729.